The following is an entry in ClinVar:

NM_016169.4(SUFU):c.257A>T (p.Glu86Val)

Gene: SUFU (SUFU negative regulator of hedgehog signaling; plus strand). Cytogenetic location: 10q24.32.
Variant type: single nucleotide variant.
Coding change: c.257A>T on transcript NM_016169.4 (MANE Select); coding-DNA position 257, A replaced by T.
Protein change: p.Glu86Val; replaces glutamic acid 86 with valine.
Molecular consequence: missense variant.
Genome position (GRCh38, 1-based): chr10:102,509,243, A>T. VCF-style: chr10-102509243-A-T. GRCh37 (hg19) VCF-style: chr10-104269000-A-T.
Other names: c.257A>T, p.Glu86Val (NM_001178133.2); short protein forms E86V.
Identifiers: ClinVar variation 3451148 (VCV003451148.2).
Genomic context (GRCh38, chr10:102,509,243, plus strand): 5'-ACCCCTTGGACTATGTTAGCATGTACAGGAATGTGGGGAGCCCTTCTGCTAACATCCCCG[A>T]GCACTGGCACTACATCAGCTTCGGCCTGAGTGATCTCTATGGTGACAACAGAGTCCATGA-3'
Protein context (NP_057253.2, residues 76-96): NVGSPSANIP[Glu86Val]HWHYISFGLS

ClinVar aggregate classification (germline): Uncertain significance. Review status: criteria provided, multiple submitters, no conflicts (2 of 4 stars). 2 submissions from 2 submitters: Uncertain significance (2). Last evaluated 2024-12-08.

Conditions:
Hereditary cancer-predisposing syndrome. Also called: Tumor predisposition; Neoplastic Syndromes, Hereditary; Hereditary neoplastic syndrome; Hereditary Cancer Syndrome. Identifiers: Orphanet 140162, MedGen C0027672, MeSH D009386, MONDO:0015356.

Submissions (2):

Ambry Genetics
Classification: Uncertain significance for Hereditary cancer-predisposing syndrome. Last evaluated: 2024-12-08. Review status: criteria provided, single submitter. Criteria: Ambry Variant Classification Scheme 2023. Collection method: clinical testing. Allele origin: germline.
Comment: The p.E86V variant (also known as c.257A>T), located in coding exon 2 of the SUFU gene, results from an A to T substitution at nucleotide position 257. The glutamic acid at codon 86 is replaced by valine, an amino acid with dissimilar properties. This amino acid position is conserved. In addition, this alteration is predicted to be deleterious by in silico analysis. Based on the available evidence, the clinical significance of this variant remains unclear.

Quest Diagnostics Nichols Institute San Juan Capistrano
Classification: Uncertain significance. Last evaluated: 2024-08-21. Review status: criteria provided, single submitter. Criteria: Quest Diagnostics criteria. Collection method: clinical testing. Allele origin: unknown.
Comment: The SUFU c.257A>T (p.Glu86Val) variant has not been reported in individuals with SUFU-related conditions in the published literature. It also has not been reported in large, multi-ethnic general populations (Genome Aggregation Database). Analysis of this variant using bioinformatics tools for the prediction of the effect of amino acid changes on protein structure and function yielded conflicting predictions that this variant is deleterious or benign. Based on the available information, we are unable to determine the clinical significance of this variant.